The following is an entry in ClinVar:

NM_003073.5(SMARCB1):c.673G>A (p.Asp225Asn)

Gene: SMARCB1 (SWI/SNF related BAF chromatin remodeling complex subunit B1; plus strand). Cytogenetic location: 22q11.23.
Variant type: single nucleotide variant.
Coding change: c.673G>A on transcript NM_003073.5 (MANE Select); coding-DNA position 673, G replaced by A.
Protein change: p.Asp225Asn; replaces aspartic acid 225 with asparagine.
Molecular consequence: missense variant.
Genome position (GRCh38, 1-based): chr22:23,816,814, G>A. VCF-style: chr22-23816814-G-A. GRCh37 (hg19) VCF-style: chr22-24159001-G-A.
Other names: c.646G>A, p.Asp216Asn (NM_001007468.3); c.700G>A, p.Asp234Asn (NM_001317946.2); c.727G>A, p.Asp243Asn (NM_001362877.2); c.673G>A (NM_003073.3); short protein forms D234N, D216N, D225N, D243N.
Identifiers: ClinVar variation 1041054 (VCV001041054.9), dbSNP rs768379745, ClinGen allele CA10146029.

ClinVar aggregate classification (germline): Uncertain significance. Review status: criteria provided, multiple submitters, no conflicts (2 of 4 stars). 2 submissions from 2 submitters: Uncertain significance (2). Last evaluated 2025-06-09.

Conditions:
Hereditary cancer-predisposing syndrome. Also called: Hereditary Cancer Syndrome; Tumor predisposition; Hereditary neoplastic syndrome; Neoplastic Syndromes, Hereditary. Identifiers: Orphanet 140162, MedGen C0027672, MeSH D009386, MONDO:0015356.

Allele frequency attached by ClinVar (database versions not stated): gnomAD exomes below 0.00001; ExAC 0.00001.
gnomAD v4.1: 2 of 1,614,042 alleles (0.00012%); highest among the groups gnomAD compares: Non-Finnish European, 0.00017%; no homozygotes.

Submissions (2):

Labcorp Genetics (formerly Invitae), Labcorp
Classification: Uncertain significance. Last evaluated: 2025-06-09. Review status: criteria provided, single submitter. Criteria: Invitae Variant Classification Sherloc (09022015). Collection method: clinical testing. Allele origin: germline.
Comment: This sequence change replaces aspartic acid, which is acidic and polar, with asparagine, which is neutral and polar, at codon 225 of the SMARCB1 protein (p.Asp225Asn). This variant is present in population databases (rs768379745, gnomAD 0.0009%). This variant has not been reported in the literature in individuals affected with SMARCB1-related conditions. ClinVar contains an entry for this variant (Variation ID: 1041054). Invitae Evidence Modeling of protein sequence and biophysical properties (such as structural, functional, and spatial information, amino acid conservation, physicochemical variation, residue mobility, and thermodynamic stability) indicates that this missense variant is expected to disrupt SMARCB1 protein function with a positive predictive value of 80%. In summary, the available evidence is currently insufficient to determine the role of this variant in disease. Therefore, it has been classified as a Variant of Uncertain Significance.

Ambry Genetics
Classification: Uncertain significance for Hereditary cancer-predisposing syndrome. Last evaluated: 2024-03-20. Review status: criteria provided, single submitter. Criteria: Ambry Variant Classification Scheme 2023. Collection method: clinical testing. Allele origin: germline.
Comment: The p.D225N variant (also known as c.673G>A), located in coding exon 6 of the SMARCB1 gene, results from a G to A substitution at nucleotide position 673. The aspartic acid at codon 225 is replaced by asparagine, an amino acid with highly similar properties. This amino acid position is highly conserved in available vertebrate species. In addition, the in silico prediction for this alteration is inconclusive. Based on the available evidence, the clinical significance of this alteration remains unclear.